The following is an entry in ClinVar:

NM_015512.5(DNAH1):c.3604G>A (p.Val1202Ile)

Gene: DNAH1 (dynein axonemal heavy chain 1; plus strand). Cytogenetic location: 3p21.1.
Variant type: single nucleotide variant.
Coding change: c.3604G>A on transcript NM_015512.5 (MANE Select); coding-DNA position 3604, G replaced by A.
Protein change: p.Val1202Ile; replaces valine 1202 with isoleucine.
Molecular consequence: missense variant.
Genome position (GRCh38, 1-based): chr3:52,354,966, G>A. VCF-style: chr3-52354966-G-A. GRCh37 (hg19) VCF-style: chr3-52388982-G-A.
Other names: short protein forms V1202I.
Identifiers: ClinVar variation 572312 (VCV000572312.5), dbSNP rs200103057, ClinGen allele CA2433628.
Genomic context (GRCh38, chr3:52,354,966, plus strand): 5'-ACAGACACCTACATCCTGAAGAGCCCGGACGAGGCCTCACAGCTGCTGGACGACCACATC[G>A]TCATGACCCAGAATATGTCATTTTCACCCTACAAGAAGCCCTTTGAGCAGCGCATCAACT-3'
Protein context (NP_056327.4, residues 1192-1212): EASQLLDDHI[Val1202Ile]MTQNMSFSPY

ClinVar aggregate classification (germline): Uncertain significance. Review status: criteria provided, multiple submitters, no conflicts (2 of 4 stars). 2 submissions from 2 submitters: Uncertain significance (2). Last evaluated 2025-02-13.

Conditions:
Spermatogenic failure 18. Identifiers: MedGen C4539783, MONDO:0054615, OMIM 617576.
Ciliary dyskinesia, primary, 37 (CILD37). Also called: CILIARY DYSKINESIA, PRIMARY, 37, WITH OR WITHOUT SITUS INVERSUS. Identifiers: MedGen C4539798, MONDO:0033204, OMIM 617577.

Allele frequency attached by ClinVar (database versions not stated): ExAC 0.00002; gnomAD 0.00002; gnomAD exomes 0.00002; TOPMed 0.00002.
gnomAD v4.1: 37 of 1,613,892 alleles (0.0023%); highest among the groups gnomAD compares: Middle Eastern, 0.016%; no homozygotes.

Submissions (2):

GeneDx
Classification: Uncertain significance. Last evaluated: 2025-02-13. Review status: criteria provided, single submitter. Criteria: GeneDx Variant Classification Process June 2021. Collection method: clinical testing. Allele origin: germline. Affected: yes.
Comment: In silico analysis indicates that this missense variant does not alter protein structure/function; Has not been previously published as pathogenic or benign to our knowledge

Labcorp Genetics (formerly Invitae), Labcorp
Classification: Uncertain significance for Ciliary dyskinesia, primary, 37; Spermatogenic failure 18. Last evaluated: 2024-01-19. Review status: criteria provided, single submitter. Criteria: Invitae Variant Classification Sherloc (09022015). Collection method: clinical testing. Allele origin: germline.
Comment: This sequence change replaces valine, which is neutral and non-polar, with isoleucine, which is neutral and non-polar, at codon 1202 of the DNAH1 protein (p.Val1202Ile). This variant is present in population databases (rs200103057, gnomAD 0.01%). This variant has not been reported in the literature in individuals affected with DNAH1-related conditions. ClinVar contains an entry for this variant (Variation ID: 572312). Advanced modeling of protein sequence and biophysical properties (such as structural, functional, and spatial information, amino acid conservation, physicochemical variation, residue mobility, and thermodynamic stability) performed at Invitae indicates that this missense variant is expected to disrupt DNAH1 protein function with a positive predictive value of 80%. In summary, the available evidence is currently insufficient to determine the role of this variant in disease. Therefore, it has been classified as a Variant of Uncertain Significance.